The following is an entry in ClinVar:

NM_006929.5(SKIC2):c.3201T>C (p.Tyr1067=)

Gene: SKIC2 (SKI2 subunit of superkiller complex; plus strand). Cytogenetic location: 6p21.33.
Variant type: single nucleotide variant.
Coding change: c.3201T>C on transcript NM_006929.5 (MANE Select); coding-DNA position 3201, T replaced by C.
Protein change: p.Tyr1067=; no amino-acid change (tyrosine 1067 retained).
Molecular consequence: synonymous variant.
Genome position (GRCh38, 1-based): chr6:31,968,891, T>C. VCF-style: chr6-31968891-T-C. GRCh37 (hg19) VCF-style: chr6-31936668-T-C.
Other names: p.Tyr1067=.
Identifiers: ClinVar variation 356345 (VCV000356345.22), dbSNP rs410851, ClinGen allele CA3730003.

ClinVar aggregate classification (germline): Benign. Review status: criteria provided, multiple submitters, no conflicts (2 of 4 stars). 6 submissions from 6 submitters: Benign (6). Last evaluated 2026-02-04.

Conditions:
Trichohepatoenteric syndrome 2 (THES2). Identifiers: Orphanet 84064, MedGen C3281289, MONDO:0013818, OMIM 614602.

Allele frequency attached by ClinVar (database versions not stated): gnomAD exomes 0.78091; ExAC 0.78261; ESP Exome Variant Server 0.78278; gnomAD 0.79487 and 0.79531; TOPMed 0.80830; 1000 Genomes Project 0.83966; 1000 Genomes Project 30x 0.84432.
gnomAD v4.1: 1,174,216 of 1,612,252 alleles (73%); highest among the groups gnomAD compares: African/African-American, 92%; 434,101 homozygotes.

Submissions (6):

Labcorp Genetics (formerly Invitae), Labcorp
Classification: Benign. Last evaluated: 2026-02-04. Review status: criteria provided, single submitter. Criteria: Invitae Variant Classification Sherloc (09022015). Collection method: clinical testing. Allele origin: germline.

Genome-Nilou Lab
Classification: Benign for Trichohepatoenteric syndrome 2. Last evaluated: 2021-07-15. Review status: criteria provided, single submitter. Criteria: ACMG Guidelines, 2015. Collection method: clinical testing. Allele origin: germline. Affected: no.

Mayo Clinic Laboratories, Mayo Clinic
Classification: Benign. Last evaluated: 2019-02-26. Review status: criteria provided, single submitter. Criteria: ACMG Guidelines, 2015. Collection method: clinical testing. Allele origin: germline. Observed: 724 variant alleles.

GeneDx
Classification: Benign. Last evaluated: 2018-11-12. Review status: criteria provided, single submitter. Criteria: GeneDx Variant Classification Process June 2021. Collection method: clinical testing. Allele origin: germline. Affected: yes.

Illumina Laboratory Services, Illumina
Classification: Benign for Trichohepatoenteric syndrome 2. Last evaluated: 2018-01-13. Review status: criteria provided, single submitter. Criteria: ICSL Variant Classification Criteria 13 December 2019. Collection method: clinical testing. Allele origin: germline.
Comment: This variant was observed in the ICSL laboratory as part of a predisposition screen in an ostensibly healthy population. It had not been previously curated by ICSL or reported in the Human Gene Mutation Database (HGMD: prior to June 1st, 2018), and was therefore a candidate for classification through an automated scoring system. Utilizing variant allele frequency, disease prevalence and penetrance estimates, and inheritance mode, an automated score was calculated to assess if this variant is too frequent to cause the disease. Based on the score and internal cut-off values, a variant classified as benign is not then subjected to further curation. The score for this variant resulted in a classification of benign for this disease.

Laboratory for Molecular Medicine, Mass General Brigham Personalized Medicine
Classification: Benign. Last evaluated: 2016-03-29. Review status: criteria provided, single submitter. Criteria: LMM Criteria. Collection method: clinical testing. Allele origin: germline.
Comment: Variant identified in a genome or exome case(s) and assessed due to predicted null impact of the variant or pathogenic assertions in the literature or databases. Disclaimer: This variant has not undergone full assessment. The following are preliminary notes: Frequency